The following is an entry in ClinVar:

NM_000051.4(ATM):c.3688A>T (p.Asn1230Tyr)

Gene: ATM (ATM serine/threonine kinase; plus strand). Cytogenetic location: 11q22.3.
Variant type: single nucleotide variant.
Coding change: c.3688A>T on transcript NM_000051.4 (MANE Select); coding-DNA position 3688, A replaced by T.
Protein change: p.Asn1230Tyr; replaces asparagine 1230 with tyrosine.
Molecular consequence: missense variant.
Genome position (GRCh38, 1-based): chr11:108,282,821, A>T. VCF-style: chr11-108282821-A-T. GRCh37 (hg19) VCF-style: chr11-108153548-A-T.
Other names: c.3688A>T, p.Asn1230Tyr (NM_001351834.2); short protein forms N1230Y.
Identifiers: ClinVar variation 1480177 (VCV001480177.8), dbSNP rs2082303886, ClinGen allele CA382523437.
Genomic context (GRCh38, chr11:108,282,821, plus strand): 5'-ATGGCATCTCATTTAGATTATCTGGTTTTGGAATGGCTAAATCTTCAAGATACTGAATAC[A>T]ACTTATCTTCTTTTCCTTTTATTTTATTAAACTACACAAATATTGAGGATTTCTATAGGT-3'
Protein context (NP_000042.3, residues 1220-1240): EWLNLQDTEY[Asn1230Tyr]LSSFPFILLN

ClinVar aggregate classification (germline): Uncertain significance (1 of 4 stars; one submission).

Conditions:
Ataxia-telangiectasia syndrome (AT). Also called: ATAXIA-TELANGIECTASIA, COMPLEMENTATION GROUP A; ATAXIA-TELANGIECTASIA, FRESNO VARIANT; LOUIS-BAR SYNDROME; Ataxia-telangiectasia; Cerebello-oculocutaneous telangiectasia; Immunodeficiency with ataxia telangiectasia. Identifiers: Orphanet 100, MedGen C0004135, MONDO:0008840, OMIM 208900.

Submission:

Labcorp Genetics (formerly Invitae), Labcorp
Classification: Uncertain significance for Ataxia-telangiectasia syndrome. Last evaluated: 2024-06-15. Review status: criteria provided, single submitter. Criteria: Invitae Variant Classification Sherloc (09022015). Collection method: clinical testing. Allele origin: germline.
Comment: This sequence change replaces asparagine, which is neutral and polar, with tyrosine, which is neutral and polar, at codon 1230 of the ATM protein (p.Asn1230Tyr). This variant is not present in population databases (gnomAD no frequency). This variant has not been reported in the literature in individuals affected with ATM-related conditions. ClinVar contains an entry for this variant (Variation ID: 1480177). An algorithm developed to predict the effect of missense changes on protein structure and function (PolyPhen-2) suggests that this variant is likely to be tolerated. In summary, the available evidence is currently insufficient to determine the role of this variant in disease. Therefore, it has been classified as a Variant of Uncertain Significance.